The following is an entry in ClinVar:

NM_024642.5(GALNT12):c.680T>A (p.Leu227Gln)

Gene: GALNT12 (polypeptide N-acetylgalactosaminyltransferase 12; plus strand). Cytogenetic location: 9q22.33.
Variant type: single nucleotide variant.
Coding change: c.680T>A on transcript NM_024642.5 (MANE Select); coding-DNA position 680, T replaced by A.
Protein change: p.Leu227Gln; replaces leucine 227 with glutamine.
Molecular consequence: missense variant.
Genome position (GRCh38, 1-based): chr9:98,826,890, T>A. VCF-style: chr9-98826890-T-A. GRCh37 (hg19) VCF-style: chr9-101589172-T-A.
Other names: short protein forms L227Q.
Identifiers: ClinVar variation 410582 (VCV000410582.15), dbSNP rs763057175, ClinGen allele CA5154022.
Genomic context (GRCh38, chr9:98,826,890, plus strand): 5'-GCCTGGTGCGAGCCCGGCTGCTGGGGGCGTCTGCGGCGAGGGGCGATGTTCTGACCTTCC[T>A]GGACTGTCACTGTGAGTGCCACGAAGGGTGGCTGGAGCCGCTGCTGCAGAGGTACGTGAG-3'
Protein context (NP_078918.3, residues 217-237): SAARGDVLTF[Leu227Gln]DCHCECHEGW

ClinVar aggregate classification (germline): Uncertain significance. Review status: criteria provided, multiple submitters, no conflicts (2 of 4 stars). 3 submissions from 3 submitters: Uncertain significance (3). Last evaluated 2025-02-26.

Conditions:
Colorectal cancer, susceptibility to, 1. Also called: COLORECTAL ADENOMA AND CANCER, SUSCEPTIBILITY TO; COLORECTAL CANCER, SUSCEPTIBILITY TO, ON CHROMOSOME 9. Identifiers: MedGen C1837315, MONDO:0012132, OMIM 608812.

Allele frequency attached by ClinVar (database versions not stated): gnomAD exomes below 0.00001 and 0.00002; TOPMed 0.00001; ExAC 0.00002.
gnomAD v4.1: 21 of 1,587,758 alleles (0.0013%); highest among the groups gnomAD compares: Non-Finnish European, 0.0018%; no homozygotes.

Submissions (3):

Ambry Genetics
Classification: Uncertain significance. Last evaluated: 2025-02-26. Review status: criteria provided, single submitter. Criteria: Ambry Variant Classification Scheme 2023. Collection method: clinical testing. Allele origin: germline.
Comment: The p.L227Q variant (also known as c.680T>A), located in coding exon 3 of the GALNT12 gene, results from a T to A substitution at nucleotide position 680. The leucine at codon 227 is replaced by glutamine, an amino acid with dissimilar properties. This amino acid position is highly conserved in available vertebrate species. In addition, this alteration is predicted to be deleterious by in silico analysis. Since supporting evidence is limited at this time, the clinical significance of this alteration remains unclear.

Labcorp Genetics (formerly Invitae), Labcorp
Classification: Uncertain significance. Last evaluated: 2023-10-18. Review status: criteria provided, single submitter. Criteria: Invitae Variant Classification Sherloc (09022015). Collection method: clinical testing. Allele origin: germline.
Comment: This sequence change replaces leucine, which is neutral and non-polar, with glutamine, which is neutral and polar, at codon 227 of the GALNT12 protein (p.Leu227Gln). This variant is present in population databases (rs763057175, gnomAD 0.001%). This variant has not been reported in the literature in individuals affected with GALNT12-related conditions. ClinVar contains an entry for this variant (Variation ID: 410582). Advanced modeling of protein sequence and biophysical properties (such as structural, functional, and spatial information, amino acid conservation, physicochemical variation, residue mobility, and thermodynamic stability) has been performed at Invitae for this missense variant, however the output from this modeling did not meet the statistical confidence thresholds required to predict the impact of this variant on GALNT12 protein function. In summary, the available evidence is currently insufficient to determine the role of this variant in disease. Therefore, it has been classified as a Variant of Uncertain Significance.

Baylor Genetics
Classification: Uncertain significance for Colorectal cancer, susceptibility to, 1. Last evaluated: 2023-08-21. Review status: criteria provided, single submitter. Criteria: ACMG Guidelines, 2015. Collection method: clinical testing. Allele origin: unknown.